The following is an entry in ClinVar:

NM_000384.3(APOB):c.1379C>T (p.Thr460Ile)

Gene: APOB (apolipoprotein B; minus strand). Cytogenetic location: 2p24.1.
Variant type: single nucleotide variant.
Coding change: c.1379C>T on transcript NM_000384.3 (MANE Select); coding-DNA position 1379, C replaced by T.
Protein change: p.Thr460Ile; replaces threonine 460 with isoleucine.
Molecular consequence: missense variant.
Genome position (GRCh38, 1-based): chr2:21,029,989, G>A on the plus strand (C>T on the coding strand, the complement: APOB is on the minus strand). VCF-style: chr2-21029989-G-A. GRCh37 (hg19) VCF-style: chr2-21252861-G-A.
Other names: short protein forms T460I.
Identifiers: ClinVar variation 3753607 (VCV003753607.2).
Genomic context (GRCh38, chr2:21,029,989, plus strand): 5'-CCAGTGCAGTCATCTTGAATCTGTTCCATCAGGTAATTAGCAATGTCCAGCAGCTCCTGG[G>A]TCCCTGTAGGGTTTGTCTTATGATAGCTACAGAATAAGAGAAGAGAGTCAGGACTTGGTA-3'
Protein context (NP_000375.3, residues 450-470): NNYHKTNPTG[Thr460Ile]QELLDIANYL

ClinVar aggregate classification (germline): Uncertain significance (1 of 4 stars; one submission).

Conditions:
Familial hypobetalipoproteinemia 1. Also called: APOB-Related Familial Hypobetalipoproteinemia; Hypobetalipoproteinemia, normotriglyceridemic; Acanthocytosis with hypobetalipoproteinemia. Identifiers: MedGen C4551990, MONDO:0014252, OMIM 615558.
Hypercholesterolemia, autosomal dominant, type B (FHCL2). Also called: Familial Hypercholesterolemia Type B; APOLIPOPROTEIN B-100, FAMILIAL DEFECTIVE; APOLIPOPROTEIN B-100, FAMILIAL LIGAND-DEFECTIVE; HYPERCHOLESTEROLEMIA, FAMILIAL, DUE TO LIGAND-DEFECTIVE APOLIPOPROTEIN B; Hyperlipoproteinemia Type IIb; Familial hypercholesterolemia 2. Identifiers: MedGen C1704417, MONDO:0007751, OMIM 144010.

gnomAD v4.1: 1 of 1,613,370 alleles (0.000062%); no homozygotes.

Submission:

Labcorp Genetics (formerly Invitae), Labcorp
Classification: Uncertain significance for Familial hypobetalipoproteinemia 1; Hypercholesterolemia, autosomal dominant, type B. Last evaluated: 2024-08-23. Review status: criteria provided, single submitter. Criteria: Invitae Variant Classification Sherloc (09022015). Collection method: clinical testing. Allele origin: germline.
Comment: This sequence change replaces threonine, which is neutral and polar, with isoleucine, which is neutral and non-polar, at codon 460 of the APOB protein (p.Thr460Ile). This variant is not present in population databases (gnomAD no frequency). This variant has not been reported in the literature in individuals affected with APOB-related conditions. Invitae Evidence Modeling of protein sequence and biophysical properties (such as structural, functional, and spatial information, amino acid conservation, physicochemical variation, residue mobility, and thermodynamic stability) indicates that this missense variant is not expected to disrupt APOB protein function with a negative predictive value of 95%. In summary, the available evidence is currently insufficient to determine the role of this variant in disease. Therefore, it has been classified as a Variant of Uncertain Significance.